The following is an entry in ClinVar:

ClinVar aggregate classification (germline): Uncertain significance (1 of 4 stars; one submission).

Conditions:
Hereditary cancer-predisposing syndrome. Also called: Neoplastic Syndromes, Hereditary; Tumor predisposition; Hereditary Cancer Syndrome; Hereditary neoplastic syndrome. Identifiers: Orphanet 140162, MedGen C0027672, MeSH D009386, MONDO:0015356.

Submission:

Ambry Genetics
Classification: Uncertain significance for Hereditary cancer-predisposing syndrome. Last evaluated: 2015-11-30. Review status: criteria provided, single submitter. Criteria: Ambry Variant Classification Scheme 2023. Collection method: clinical testing. Allele origin: germline.
Comment: The p.V1345L variant (also known as c.4033G>T), located in coding exon 10 of the MSH6 gene, results from a G to T substitution at nucleotide position 4033. The valine at codon 1345 is replaced by leucine, an amino acid with highly similar properties. This variant was not reported in population based cohorts in the following databases: Database of Single Nucleotide Polymorphisms (dbSNP), NHLBI Exome Sequencing Project (ESP), and 1000 Genomes Project. In the ESP, this variant was not observed in 6503 samples (13006 alleles) with coverage at this position. To date, this alteration has been detected with an allele frequency of approximately 0.001% (greater than 115000 alleles tested) in our clinical cohort. This amino acid position is not well conserved however, leucine is a reference amino acid in several species. This alteration is predicted to be benign and tolerated by PolyPhen and SIFT in silico analyses, respectively. In addition, the CoDP in silico tool predicts this alteration to have minor impact on molecular function, with a score of 0.004 (Terui H et al. J. Biomed. Sci. 2013;20:25). Since supporting evidence is limited at this time, the clinical significance of p.V1345L remains unclear.

NM_000179.3(MSH6):c.4033G>T (p.Val1345Leu)

Gene: MSH6 (mutS homolog 6; plus strand). Cytogenetic location: 2p16.3.
Variant type: single nucleotide variant.
Coding change: c.4033G>T on transcript NM_000179.3 (MANE Select); coding-DNA position 4033, G replaced by T.
Protein change: p.Val1345Leu; replaces valine 1345 with leucine.
Molecular consequence: missense variant.
Genome position (GRCh38, 1-based): chr2:47,806,810, G>T. VCF-style: chr2-47806810-G-T. GRCh37 (hg19) VCF-style: chr2-48033949-G-T.
Other names: c.3643G>T, p.Val1215Leu (NM_001281492.2); c.3127G>T, p.Val1043Leu (NM_001281493.2, NM_001281494.2, NM_001406811.1 and 6 more transcripts); c.4129G>T, p.Val1377Leu (NM_001406795.1); c.4033G>T, p.Val1345Leu (NM_001406796.1, NM_001406809.1); c.3736G>T, p.Val1246Leu (NM_001406797.1, NM_001406805.1, NM_001406818.1 and 8 more transcripts); c.3859G>T, p.Val1287Leu (NM_001406798.1); c.3508G>T, p.Val1170Leu (NM_001406799.1, NM_001406806.1, NM_001406807.1); c.*54G>T (NM_001406800.1); and 9 more; short protein forms V1043L, V1246L, V1289L, V1377L, V1215L, V272L, V294L, V1057L.
Identifiers: ClinVar variation 1737222 (VCV001737222.2), dbSNP rs747613376, ClinGen allele CA346761681.